The following is an entry in ClinVar:

ClinVar aggregate classification (germline): Uncertain significance (1 of 4 stars; one submission).

Submission:

GeneDx
Classification: Uncertain significance. Last evaluated: 2024-11-19. Review status: criteria provided, single submitter. Criteria: GeneDx Variant Classification Process June 2021. Collection method: clinical testing. Allele origin: germline. Affected: yes.
Comment: Not observed at significant frequency in large population cohorts (gnomAD); In silico analysis supports that this missense variant has a deleterious effect on protein structure/function; Has not been previously published as pathogenic or benign to our knowledge

NM_003476.5(CSRP3):c.208G>C (p.Gly70Arg)

Gene: CSRP3 (cysteine and glycine rich protein 3; minus strand). Cytogenetic location: 11p15.1.
Variant type: single nucleotide variant.
Coding change: c.208G>C on transcript NM_003476.5 (MANE Select); coding-DNA position 208, G replaced by C.
Protein change: p.Gly70Arg; replaces glycine 70 with arginine.
Molecular consequence: missense variant. On other transcripts: intron variant (1).
Genome position (GRCh38, 1-based): chr11:19,188,209, C>G on the plus strand (G>C on the coding strand, the complement: CSRP3 is on the minus strand). VCF-style: chr11-19188209-C-G. GRCh37 (hg19) VCF-style: chr11-19209756-C-G.
Other names: c.113-1861G>C (NM_001369404.1); short protein forms G70R.
Identifiers: ClinVar variation 3899421 (VCV003899421.1).
Genomic context (GRCh38, chr11:19,188,209, plus strand): 5'-GGCCGAGATGCTCGCCCGTGTCTGTGCTGAGACAGCCAGCGCCTTGTCCATACCCGATCC[C>G]TTTGGGGCCATATCTGCGCCCATAGCACACCTTGCAGTAGATCTCCGACTCATGAGCCGC-3'
Protein context (NP_003467.1, residues 60-80): VCYGRRYGPK[Gly70Arg]IGYGQGAGCL